The following is an entry in ClinVar:

NM_001288705.3(CSF1R):c.2886C>T (p.Pro962=)

Gene: CSF1R (colony stimulating factor 1 receptor; minus strand). Cytogenetic location: 5q32.
Variant type: single nucleotide variant.
Coding change: c.2886C>T on transcript NM_001288705.3 (MANE Select); coding-DNA position 2886, C replaced by T.
Protein change: p.Pro962=; no amino-acid change (proline 962 retained).
Molecular consequence: synonymous variant. On other transcripts: non-coding transcript variant (2).
Genome position (GRCh38, 1-based): chr5:150,054,102, G>A on the plus strand (C>T on the coding strand, the complement: CSF1R is on the minus strand). VCF-style: chr5-150054102-G-A. GRCh37 (hg19) VCF-style: chr5-149433665-G-A.
Other names: c.2886C>T, p.Pro962= (NM_001349736.2, NM_001375320.1, NM_005211.4); c.2442C>T, p.Pro814= (NM_001375321.1).
Identifiers: ClinVar variation 352122 (VCV000352122.21), dbSNP rs370648666, ClinGen allele CA3506288.

ClinVar aggregate classification (germline): Conflicting classifications of pathogenicity. Review status: criteria provided, conflicting classifications (1 of 4 stars). 4 submissions from 4 submitters: Uncertain significance (1); Likely benign (2). 1 of the submissions does not count toward it. Last evaluated 2025-10-25.

Conditions:
Hereditary diffuse leukoencephalopathy with spheroids. Also called: LEUKOENCEPHALOPATHY, ADULT-ONSET, WITH AXONAL SPHEROIDS AND PIGMENTED GLIA. Identifiers: Orphanet 313808, MedGen C3711381, MONDO:0030796.
CSF1R-related disorder. Also called: CSF1R-related condition. Identifiers: MedGen CN379780, MONDO:0100632.

Allele frequency attached by ClinVar (database versions not stated): gnomAD exomes 0.00002; ExAC 0.00003; TOPMed 0.00003; gnomAD 0.00004; ESP Exome Variant Server 0.00008.
gnomAD v4.1: 40 of 1,614,056 alleles (0.0025%); highest among the groups gnomAD compares: Non-Finnish European, 0.0034%; no homozygotes.

Submissions (4):

Labcorp Genetics (formerly Invitae), Labcorp
Classification: Likely benign. Last evaluated: 2025-10-25. Review status: criteria provided, single submitter. Criteria: Invitae Variant Classification Sherloc (09022015). Collection method: clinical testing. Allele origin: germline.

CeGaT Center for Human Genetics Tuebingen
Classification: Likely benign. Last evaluated: 2025-03-01. Review status: criteria provided, single submitter. Criteria: CeGaT Center For Human Genetics Tuebingen Variant Classification Criteria Version 2. Collection method: clinical testing. Allele origin: germline. Affected: yes. Observed: 1 variant allele.
Comment: CSF1R: BP4, BP7

Illumina Laboratory Services, Illumina
Classification: Uncertain significance for Leukoencephalopathy, diffuse hereditary, with spheroids 1. Last evaluated: 2018-01-12. Review status: criteria provided, single submitter. Criteria: ICSL Variant Classification Criteria 13 December 2019. Collection method: clinical testing. Allele origin: germline.

PreventionGenetics, part of Exact Sciences
Classification: Likely benign for CSF1R-related condition. Last evaluated: 2019-06-25. Review status: no assertion criteria provided. Collection method: clinical testing. Allele origin: germline. Not counted in ClinVar's aggregate classification.
Comment: This variant is classified as likely benign based on ACMG/AMP sequence variant interpretation guidelines (Richards et al. 2015 PMID: 25741868, with internal and published modifications).